The following is an entry in ClinVar:

ClinVar aggregate classification (germline): Uncertain significance (1 of 4 stars; one submission).

Submission:

Labcorp Genetics (formerly Invitae), Labcorp
Classification: Uncertain significance. Last evaluated: 2021-06-27. Review status: criteria provided, single submitter. Criteria: Invitae Variant Classification Sherloc (09022015). Collection method: clinical testing. Allele origin: germline.
Comment: In summary, the available evidence is currently insufficient to determine the role of this variant in disease. Therefore, it has been classified as a Variant of Uncertain Significance. Algorithms developed to predict the effect of missense changes on protein structure and function (SIFT, PolyPhen-2, Align-GVGD) all suggest that this variant is likely to be disruptive, but these predictions have not been confirmed by published functional studies and their clinical significance is uncertain. This variant has been observed in individual(s) with clinical features of Moyamoya disease (Invitae). This variant is not present in population databases (ExAC no frequency). This sequence change replaces proline with leucine at codon 4128 of the RNF213 protein (p.Pro4128Leu). The proline residue is highly conserved and there is a moderate physicochemical difference between proline and leucine.

NM_001256071.3(RNF213):c.12383C>T (p.Pro4128Leu)

Genes: RNF213 (ring finger protein 213; plus strand), RNF213-AS1 (RNF213 antisense RNA 1; minus strand). Cytogenetic location: 17q25.3.
Variant type: single nucleotide variant.
Coding change: c.12383C>T on transcript NM_001256071.3 (MANE Select); coding-DNA position 12383, C replaced by T.
Protein change: p.Pro4128Leu; replaces proline 4128 with leucine.
Molecular consequence: missense variant.
Genome position (GRCh38, 1-based): chr17:80,369,825, C>T. VCF-style: chr17-80369825-C-T. GRCh37 (hg19) VCF-style: chr17-78343625-C-T.
Other names: short protein forms P4128L.
Identifiers: ClinVar variation 1478243 (VCV001478243.8), dbSNP rs2144488212, ClinGen allele CA401409868.